The following is an entry in ClinVar:

ClinVar aggregate classification (germline): Uncertain significance (1 of 4 stars; one submission).

Conditions:
Neurodevelopmental disorder with progressive spasticity and brain white matter abnormalities. Also called: CEREBRAL PALSY, SPASTIC QUADRIPLEGIC, 1. Identifiers: Orphanet 210141, Orphanet 641353, MedGen C5436628, MONDO:0033613, OMIM 619026.

Allele frequency attached by ClinVar (database versions not stated): gnomAD 0.00001 and 0.00002; gnomAD exomes 0.00001; 1000 Genomes Project 30x 0.00016; TOPMed 0.00001; ExAC 0.00001; 1000 Genomes Project 0.00020.
gnomAD v4.1: 23 of 1,614,130 alleles (0.0014%); highest among the groups gnomAD compares: East Asian, 0.0045%; no homozygotes.

Submission:

Labcorp Genetics (formerly Invitae), Labcorp
Classification: Uncertain significance for Neurodevelopmental disorder with progressive spasticity and brain white matter abnormalities. Last evaluated: 2020-09-09. Review status: criteria provided, single submitter. Criteria: Invitae Variant Classification Sherloc (09022015). Collection method: clinical testing. Allele origin: germline.
Comment: This variant has not been reported in the literature in individuals with GAD1-related conditions. This sequence change replaces alanine with threonine at codon 575 of the GAD1 protein (p.Ala575Thr). The alanine residue is highly conserved and there is a small physicochemical difference between alanine and threonine. This variant is present in population databases (rs527691350, ExAC 0.006%). Algorithms developed to predict the effect of missense changes on protein structure and function (SIFT, PolyPhen-2, Align-GVGD) all suggest that this variant is likely to be tolerated, but these predictions have not been confirmed by published functional studies and their clinical significance is uncertain. In summary, the available evidence is currently insufficient to determine the role of this variant in disease. Therefore, it has been classified as a Variant of Uncertain Significance.

NM_000817.3(GAD1):c.1723G>A (p.Ala575Thr)

Gene: GAD1 (glutamate decarboxylase 1; plus strand). Cytogenetic location: 2q31.1.
Variant type: single nucleotide variant.
Coding change: c.1723G>A on transcript NM_000817.3 (MANE Select); coding-DNA position 1723, G replaced by A.
Protein change: p.Ala575Thr; replaces alanine 575 with threonine.
Molecular consequence: missense variant.
Genome position (GRCh38, 1-based): chr2:170,859,820, G>A. VCF-style: chr2-170859820-G-A. GRCh37 (hg19) VCF-style: chr2-171716330-G-A.
Other names: short protein forms A575T.
Identifiers: ClinVar variation 1000988 (VCV001000988.9), dbSNP rs527691350, ClinGen allele CA1963032.